The following is an entry in ClinVar:

ClinVar aggregate classification (germline): Benign/Likely benign. Review status: criteria provided, multiple submitters, no conflicts (2 of 4 stars). 5 submissions from 5 submitters: Benign (2); Likely benign (2). 1 of the submissions does not count toward it. Last evaluated 2026-02-03.

Conditions:
Hereditary diffuse gastric adenocarcinoma (HDGC). Also called: DIFFUSE GASTRIC AND LOBULAR BREAST CANCER SYNDROME. Identifiers: Orphanet 26106, MedGen C1708349, MONDO:0007648, OMIM 137215.
CTNNA1-related disorder. Also called: CTNNA1-related condition.
Hereditary cancer-predisposing syndrome. Also called: Tumor predisposition; Hereditary Cancer Syndrome; Hereditary neoplastic syndrome; Neoplastic Syndromes, Hereditary. Identifiers: Orphanet 140162, MedGen C0027672, MeSH D009386, MONDO:0015356.

Allele frequency attached by ClinVar (database versions not stated): gnomAD exomes 0.00004 and 0.00020; ExAC 0.00016; gnomAD 0.00040 and 0.00042; ESP Exome Variant Server 0.00054; TOPMed 0.00056; 1000 Genomes Project 0.00080; 1000 Genomes Project 30x 0.00094.
gnomAD v4.1: 125 of 1,614,162 alleles (0.0077%); highest among the groups gnomAD compares: African/African-American, 0.11%; no homozygotes.

Submissions (5):

Labcorp Genetics (formerly Invitae), Labcorp
Classification: Benign. Last evaluated: 2026-02-03. Review status: criteria provided, single submitter. Criteria: Invitae Variant Classification Sherloc (09022015). Collection method: clinical testing. Allele origin: germline.

Myriad Genetics, Inc.
Classification: Benign for Hereditary diffuse gastric adenocarcinoma. Last evaluated: 2024-10-15. Review status: criteria provided, single submitter. Criteria: Myriad Autosomal Dominant, Autosomal Recessive and X-Linked Classification Criteria (2023). Collection method: clinical testing. Allele origin: unknown.
Comment: This variant is considered benign. This variant is a silent/synonymous amino acid change and it is not expected to impact splicing.

Blueprint Genetics
Classification: Likely benign. Last evaluated: 2024-05-08. Review status: criteria provided, single submitter. Criteria: ACMG Guidelines, 2015. Collection method: clinical testing. Allele origin: germline.

Ambry Genetics
Classification: Likely benign for Hereditary cancer-predisposing syndrome. Last evaluated: 2018-12-26. Review status: criteria provided, single submitter. Criteria: Ambry Variant Classification Scheme 2023. Collection method: clinical testing. Allele origin: germline.

PreventionGenetics, part of Exact Sciences
Classification: Likely benign for CTNNA1-related condition. Last evaluated: 2019-09-20. Review status: no assertion criteria provided. Collection method: clinical testing. Allele origin: germline. Not counted in ClinVar's aggregate classification.
Comment: This variant is classified as likely benign based on ACMG/AMP sequence variant interpretation guidelines (Richards et al. 2015 PMID: 25741868, with internal and published modifications).

NM_001903.5(CTNNA1):c.2532A>G (p.Gln844=)

Gene: CTNNA1 (catenin alpha 1; plus strand). Cytogenetic location: 5q31.2.
Variant type: single nucleotide variant.
Coding change: c.2532A>G on transcript NM_001903.5 (MANE Select); coding-DNA position 2532, A replaced by G.
Protein change: p.Gln844=; no amino-acid change (glutamine 844 retained).
Molecular consequence: synonymous variant. On other transcripts: 3 prime UTR variant (5).
Genome position (GRCh38, 1-based): chr5:138,933,900, A>G. VCF-style: chr5-138933900-A-G. GRCh37 (hg19) VCF-style: chr5-138269589-A-G.
Other names: c.*77A>G (NM_001290307.3, NM_001324002.1, NM_001324003.1 and 2 more transcripts); c.2223A>G, p.Gln741= (NM_001290309.3); c.2163A>G, p.Gln721= (NM_001290310.3); c.1422A>G, p.Gln474= (NM_001290312.1, NM_001323987.1, NM_001323988.1 and 12 more transcripts); c.2532A>G, p.Gln844= (NM_001323982.2, NM_001323983.1, NM_001323984.2); c.2505A>G, p.Gln835= (NM_001323985.2); c.2439A>G, p.Gln813= (NM_001323986.2); c.1287A>G, p.Gln429= (NM_001324001.1); and 4 more.
Identifiers: ClinVar variation 415356 (VCV000415356.20), dbSNP rs148289936, ClinGen allele CA3432264.